The following is an entry in ClinVar:

ClinVar aggregate classification (germline): Pathogenic. Review status: criteria provided, multiple submitters, no conflicts (2 of 4 stars). 6 submissions from 6 submitters: Pathogenic (4). 2 of the submissions do not count toward it. Last evaluated 2025-12-20.

Conditions:
LCA5-related disorder. Also called: LCA5-related condition.
Retinal dystrophy. Also called: Inherited retinal dystrophy. Identifiers: Orphanet 71862, MedGen C0854723, MeSH D058499, MONDO:0019118, HP:0000556.
Leber congenital amaurosis 5 (LCA5). Also called: Amaurosis congenita of Leber, type 5. Identifiers: Orphanet 65, MedGen C1858301, MONDO:0011473, OMIM 604537.

Submissions (6):

3billion
Classification: Pathogenic for Leber congenital amaurosis 5. Last evaluated: 2025-12-20. Review status: criteria provided, single submitter. Criteria: ACMG Guidelines, 2015. Collection method: clinical testing. Allele origin: germline. Affected: yes.
Comment: The variant is observed at an extremely low frequency in the gnomAD v4.1.0 dataset (total allele frequency: <0.001%). Predicted Consequence/Location: Frameshift: predicted to result in a loss or disruption of normal protein function through nonsense-mediated decay (NMD) or protein truncation. Multiple pathogenic variants are reported downstream of the variant. The variant has been reported at least twice as pathogenic with clinical assertions and evidence for the classification (ClinVar ID: VCV000236493 /PMID: 23946133). Therefore, this variant is classified as Pathogenic according to the recommendation of ACMG/AMP guideline.

Blueprint Genetics
Classification: Pathogenic for LCA5-related disorders. Last evaluated: 2024-08-14. Review status: criteria provided, single submitter. Criteria: ACMG Guidelines, 2015. Collection method: clinical testing. Allele origin: germline. Affected: yes. Observed: 5 variant alleles.

Institute of Human Genetics, Univ. Regensburg, Univ. Regensburg
Classification: Pathogenic for Retinal dystrophy. Last evaluated: 2023-01-01. Review status: criteria provided, single submitter. Criteria: ACMG Guidelines, 2015. Collection method: clinical testing. Allele origin: germline. Affected: yes.

CeGaT Center for Human Genetics Tuebingen
Classification: Pathogenic. Last evaluated: 2018-04-01. Review status: criteria provided, single submitter. Criteria: CeGaT Center For Human Genetics Tuebingen Variant Classification Criteria Version 2. Collection method: clinical testing. Allele origin: germline. Affected: yes. Observed: 2 variant alleles.

NIHR Bioresource Rare Diseases, University of Cambridge
Classification: Pathogenic for Retinal dystrophy. Last evaluated: 2015-01-01. Review status: no assertion criteria provided. Collection method: research. Allele origin: unknown. Affected: yes. Observed: 1 variant allele. Not counted in ClinVar's aggregate classification.

Centre for Genomic Medicine, Manchester, Central Manchester University Hospitals
Classification: Likely pathogenic for Retinal dystrophy. Review status: no assertion criteria provided. Collection method: clinical testing. Allele origin: germline. Affected: yes. Not counted in ClinVar's aggregate classification.

Literature cited by the submitters: PubMed 23946133 (cited by 3 submitters); PubMed 28041643 (cited by Institute of Human Genetics, Univ. Regensburg, Univ. Regensburg and NIHR Bioresource Rare Diseases, University of Cambridge); PubMed 31589614 (cited by Institute of Human Genetics, Univ. Regensburg, Univ. Regensburg); PubMed 32531858 (cited by Institute of Human Genetics, Univ. Regensburg, Univ. Regensburg).

NM_001122769.3(LCA5):c.633_639del (p.Glu211fs)

Gene: LCA5 (lebercilin LCA5; minus strand). Cytogenetic location: 6q14.1.
Variant type: Deletion.
Coding change: c.633_639del on transcript NM_001122769.3 (MANE Select); coding-DNA positions 633 to 639, 7 bases deleted (AGCTAGA; older notation c.633_639delAGCTAGA).
Protein change: p.Glu211fs; shifts the reading frame from glutamic acid 211.
Molecular consequence: frameshift variant.
Genome position (GRCh38, 1-based): chr6:79,513,293-79,513,299, TCTAGCT deleted on the plus strand (AGCTAGA on the coding strand, the reverse complement: LCA5 is on the minus strand); deleting any 7 consecutive bases within chr6:79,513,293-79,513,301 gives the same sequence; the c. name uses the placement nearest the transcript's 3' end. VCF-style (leftmost placement, unchanged base first): chr6-79513292-GTCTAGCT-G. GRCh37 (hg19) VCF-style: chr6-80223009-GTCTAGCT-G.
Other names: c.633_639del (NM_181714.3); c.633_639del, p.Glu211fs (NM_181714.4); short protein forms E211fs.
Identifiers: ClinVar variation 236493 (VCV000236493.45), dbSNP rs878853382, ClinGen allele CA10581670.